The following is an entry in ClinVar:

ClinVar aggregate classification (germline): Likely benign (0 of 4 stars; one submission).

Conditions:
ZP3-related disorder. Also called: ZP3-related condition.

Allele frequency attached by ClinVar (database versions not stated): gnomAD exomes 0.00018; ExAC 0.00064; gnomAD 0.00151; TOPMed 0.00180; ESP Exome Variant Server 0.00215; 1000 Genomes Project 0.00220; 1000 Genomes Project 30x 0.00234.
gnomAD v4.1: 490 of 1,613,776 alleles (0.03%); highest among the groups gnomAD compares: African/African-American, 0.58%; no homozygotes.

Submission:

PreventionGenetics, part of Exact Sciences
Classification: Likely benign for ZP3-related condition. Last evaluated: 2019-02-20. Review status: no assertion criteria provided. Collection method: clinical testing. Allele origin: germline.
Comment: This variant is classified as likely benign based on ACMG/AMP sequence variant interpretation guidelines (Richards et al. 2015 PMID: 25741868, with internal and published modifications).

NM_001110354.2(ZP3):c.123C>T (p.Pro41=)

Gene: ZP3 (zona pellucida glycoprotein 3; plus strand). Cytogenetic location: 7q11.23.
Variant type: single nucleotide variant.
Coding change: c.123C>T on transcript NM_001110354.2 (MANE Select); coding-DNA position 123, C replaced by T.
Protein change: p.Pro41=; no amino-acid change (proline 41 retained).
Molecular consequence: synonymous variant. On other transcripts: 5 prime UTR variant (1).
Genome position (GRCh38, 1-based): chr7:76,425,087, C>T. VCF-style: chr7-76425087-C-T. GRCh37 (hg19) VCF-style: chr7-76054404-C-T.
Other names: c.-31C>T (NM_007155.6).
Identifiers: ClinVar variation 3040744 (VCV003040744.2), dbSNP rs114691990, ClinGen allele CA4307221.
Genomic context (GRCh38, chr7:76,425,087, plus strand): 5'-CCCCCAACCCCTCTGGCTCTTGCAGGGTGGAGCCAGCCATCCTGAGACGTCCGTACAGCC[C>T]GTACTGGTGGAGTGTCAGGAGGCCACTCTGATGGTCATGGTCAGCAAAGACCTTTTTGGC-3'
Protein context (NP_001103824.1, residues 31-51): GASHPETSVQ[Pro41=]VLVECQEATL